The following is an entry in ClinVar:

NM_001080517.3(SETD5):c.1337G>T (p.Arg446Leu)

Gene: SETD5 (SET domain containing 5; plus strand). Cytogenetic location: 3p25.3.
Variant type: single nucleotide variant.
Coding change: c.1337G>T on transcript NM_001080517.3 (MANE Select); coding-DNA position 1337, G replaced by T.
Protein change: p.Arg446Leu; replaces arginine 446 with leucine.
Molecular consequence: missense variant.
Genome position (GRCh38, 1-based): chr3:9,445,197, G>T. VCF-style: chr3-9445197-G-T. GRCh37 (hg19) VCF-style: chr3-9486881-G-T.
Other names: c.1043G>T, p.Arg348Leu (NM_001292043.2, NM_001349451.2); c.1433G>T, p.Arg478Leu (NM_001437633.1); c.1394G>T, p.Arg465Leu (NM_001437635.1); c.1337G>T, p.Arg446Leu (NM_001437643.1); c.1376G>T, p.Arg459Leu (NM_001437701.1); short protein forms R348L, R446L, R459L, R465L, R478L.
Identifiers: ClinVar variation 4075699 (VCV004075699.1).

ClinVar aggregate classification (germline): Uncertain significance (1 of 4 stars; one submission).

Submission:

GeneDx
Classification: Uncertain significance. Last evaluated: 2025-02-17. Review status: criteria provided, single submitter. Criteria: GeneDx Variant Classification Process June 2021. Collection method: clinical testing. Allele origin: germline. Affected: yes.
Comment: Not observed at significant frequency in large population cohorts (gnomAD); In silico analysis supports that this missense variant has a deleterious effect on protein structure/function; Has not been previously published as pathogenic or benign to our knowledge